The following is an entry in ClinVar:

ClinVar aggregate classification (germline): Uncertain significance (1 of 4 stars; one submission).

Conditions:
Leigh syndrome (NULS). Also called: Leigh's necrotizing encephalopathy; Leigh's disease; Leigh Syndrome (mtDNA deletion); Leigh Disease; Subacute necrotizing encephalopathy; Necrotizing encephalopathy infantile subacute of Leigh. Identifiers: Orphanet 506, MedGen C2931891, MONDO:0009723, OMIM 256000.

Submission:

Wong Mito Lab, Molecular and Human Genetics, Baylor College of Medicine
Classification: Uncertain significance for Leigh syndrome. Last evaluated: 2019-10-17. Review status: criteria provided, single submitter. Criteria: Modified ACMG Guidelines (Unpublished). Collection method: clinical testing. Allele origin: germline.
Comment: The NC_012920.1:m.4193T>C (YP_003024026.1:p.Leu296Pro) variant in MTND1 gene is interpretated to be a Uncertain Significance variant based on the modified ACMG guidelines (unpublished). This variant meets the following evidence codes: PP7

NC_012920.1(MT-ND1):m.4193T>C

Gene: MT-ND1 (mitochondrially encoded NADH dehydrogenase 1; plus strand).
Variant type: single nucleotide variant.
Genome position: chrM-4193-T-C.
Identifiers: ClinVar variation 692433 (VCV000692433.1), dbSNP rs1603219346, ClinGen allele CA414774393.